The following continues an entry in ClinVar:

NM_000059.4(BRCA2):c.6206T>G (p.Leu2069Ter)

Gene: BRCA2. ClinVar aggregate classification (germline): Pathogenic. Pathogenic (1).

Submissions 10 to 16 of 16:

Laboratory for Molecular Medicine, Mass General Brigham Personalized Medicine
Classification: Pathogenic for Hereditary breast ovarian cancer syndrome. Last evaluated: 2019-01-17. Review status: criteria provided, single submitter. Criteria: ACMG Guidelines, 2015. Collection method: clinical testing. Allele origin: germline. Inheritance: Autosomal dominant inheritance. Not counted in ClinVar's aggregate classification.
Comment: The p.Leu2069X variant in BRCA2 has been reported in at least 3 individuals with BRCA2-associated cancers (Breast Cancer Information Core (BIC) database and Sharing Clinical Reports Project). It was also absent from large population studies. This nonsense variant leads to a premature termination codon at position 2069, which is predicted to lead to a truncated or absent protein. Heterozygous loss of function of the BRCA2 gene is an established disease mechanism in hereditary breast and ovarian cancer (HBOC). In addition, this variant was classified as Pathogenic on September 8, 2016 by the ClinGen-approved ENIGMA expert panel (ClinVar SCV000300999). In summary, this variant meets criteria to be classified as pathogenic for HBOC in an autosomal dominant manner. ACMG/AMP criteria applied: PVS1, PM2, PS4_Supporting.

Human Genome Sequencing Center Clinical Lab, Baylor College of Medicine
Classification: Pathogenic for Familial breast-ovarian cancer 2. Last evaluated: 2018-10-08. Review status: criteria provided, single submitter. Criteria: ACMG Guidelines, 2015. Collection method: clinical testing. Allele origin: germline. Not counted in ClinVar's aggregate classification.
Comment: The c.6206T>G (p.Leu2069*) variant in the BRCA2 gene is predicted to introduce a premature translation termination codon, which is predicted to result in nonsense-mediated mRNA decay. This variant is absent from large databases of genetic variation in the general population. This variant has been reported in one patient with breast cancer (PMID 16912212). Another variant in the BRCA2 gene, c.6206delT, predicting to result in the same p.Leu2069* amino acid change, has been reported in a family affected with breast and ovarian cancer (PMID 9150172). Therefore, the c.6206T>G (p.Leu2069*) variant in the BRCA2 gene is classified as pathogenic.

Consortium of Investigators of Modifiers of BRCA1/2 (CIMBA), c/o University of Cambridge
Classification: Pathogenic for Breast-ovarian cancer, familial, susceptibility to, 2. Last evaluated: 2015-10-02. Review status: criteria provided, single submitter. Criteria: CIMBA Mutation Classification guidelines May 2016. Collection method: clinical testing. Allele origin: germline. Not counted in ClinVar's aggregate classification.

Research Molecular Genetics Laboratory, Women's College Hospital, University of Toronto
Classification: Pathogenic for Hereditary breast ovarian cancer syndrome. Last evaluated: 2014-01-31. Review status: no assertion criteria provided. Collection method: research. Allele origin: germline. Affected: yes. Study: The Canadian Open Genetics Repository (COGR). Not counted in ClinVar's aggregate classification.

Sharing Clinical Reports Project (SCRP)
Classification: Pathogenic for Breast-ovarian cancer, familial 2. Last evaluated: 2012-05-01. Review status: no assertion criteria provided. Collection method: clinical testing. Allele origin: germline. Not counted in ClinVar's aggregate classification.

Breast Cancer Information Core (BIC) (BRCA2)
Classification: Pathogenic for Breast-ovarian cancer, familial 2. Last evaluated: 2003-12-23. Review status: no assertion criteria provided. Collection method: clinical testing. Allele origin: germline. Affected: yes. Observed: 1 variant allele. Not counted in ClinVar's aggregate classification.

Department of Pathology and Laboratory Medicine, Sinai Health System
Classification: Pathogenic. Review status: no assertion criteria provided. Collection method: clinical testing. Allele origin: unknown. Affected: yes. Study: The Canadian Open Genetics Repository (COGR). Not counted in ClinVar's aggregate classification.
Comment: The BRCA2 p.Leu2069* variant was identified in a multicenter (consortia) study by CIMBA in 2 of 22702 proband chromosomes (frequency: 0.00009) from females with BRCA2 pathogenic variants, the affected individuals being Caucasian American (Rebbeck 2018). The variant was also identified in dbSNP (ID: rs80358859) as â€šÃ„ÃºWith Pathogenic alleleâ€šÃ„Ã¹, in ClinVar (classified pathogenic, reviewed by an expert panel (2016); submitters: GeneDx, Invitae, Ambry Genetics, ENIGMA, CIMBA, and 3 other laboratories), and LOVD 3.0 (1x as pathogenic). The variant was not identified in the UMD-LSDB database. The variant was not identified in the following control databases: the Exome Aggregation Consortium (August 8th 2016), or the Genome Aggregation Database (Feb 27, 2017). The c.6206T>G variant leads to a premature stop codon at position 2069 which is predicted to lead to a truncated or absent protein and loss of function. Loss of function variants of the BRCA2 gene are an established mechanism of disease in hereditary breast and ovarian cancer and is the type of variant expected to cause the disorder. In summary, based on the above information this variant meets our laboratoryâ€šÃ„Ã´s criteria to be classified as pathogenic.

Literature cited by the submitters: PubMed 9150172 (cited by Ambry Genetics and Quest Diagnostics Nichols Institute San Juan Capistrano); PubMed 20104584 (cited by Labcorp Genetics (formerly Invitae), Labcorp); PubMed 29446198 (cited by 4 submitters); PubMed 31060593 (cited by Women's Health and Genetics/Laboratory Corporation of America, LabCorp); PubMed 16912212 (cited by 3 submitters); PubMed 33471991 (cited by All of Us Research Program, National Institutes of Health); PubMed 31447099 (cited by Quest Diagnostics Nichols Institute San Juan Capistrano and Sema4).